The following is an entry in ClinVar:

NM_015978.3(TNNI3K):c.421G>T (p.Ala141Ser)

Genes: FPGT-TNNI3K (FPGT-TNNI3K readthrough; plus strand), TNNI3K (TNNI3 interacting kinase; plus strand). Cytogenetic location: 1p31.1.
Variant type: single nucleotide variant.
Coding change: c.421G>T on transcript NM_015978.3 (MANE Select); coding-DNA position 421, G replaced by T.
Protein change: p.Ala141Ser; replaces alanine 141 with serine.
Molecular consequence: missense variant.
Genome position (GRCh38, 1-based): chr1:74,271,685, G>T. VCF-style: chr1-74271685-G-T. GRCh37 (hg19) VCF-style: chr1-74737369-G-T.
Other names: c.724G>T, p.Ala242Ser (NM_001112808.3, NM_001199327.2); short protein forms A242S, A141S.
Identifiers: ClinVar variation 2874056 (VCV002874056.3), dbSNP rs1656360209, ClinGen allele CA340780900.
Genomic context (GRCh38, chr1:74,271,685, plus strand): 5'-CTTCACAGTGGAGCTGATATACAGCAGGTTGGATACGGTGGCCTCACTGCCCTCCATATT[G>T]CTACAATAGCTGGCCACCTAGAGGTAAGTCATGCCTTTGGCACCTGTGAAAACAAAGGTT-3'
Protein context (NP_057062.1, residues 131-151): GYGGLTALHI[Ala141Ser]TIAGHLEAAD

ClinVar aggregate classification (germline): Uncertain significance (1 of 4 stars; one submission).

Allele frequency attached by ClinVar (database versions not stated): TOPMed below 0.00001; gnomAD 0.00001; gnomAD exomes 0.00001.
gnomAD v4.1: 18 of 1,607,520 alleles (0.0011%); highest among the groups gnomAD compares: Non-Finnish European, 0.0015%; no homozygotes.

Submission:

Labcorp Genetics (formerly Invitae), Labcorp
Classification: Uncertain significance. Last evaluated: 2024-11-04. Review status: criteria provided, single submitter. Criteria: Invitae Variant Classification Sherloc (09022015). Collection method: clinical testing. Allele origin: germline.
Comment: This sequence change replaces alanine, which is neutral and non-polar, with serine, which is neutral and polar, at codon 141 of the TNNI3K protein (p.Ala141Ser). This variant is not present in population databases (gnomAD no frequency). This variant has not been reported in the literature in individuals affected with TNNI3K-related conditions. ClinVar contains an entry for this variant (Variation ID: 2874056). Invitae Evidence Modeling of protein sequence and biophysical properties (such as structural, functional, and spatial information, amino acid conservation, physicochemical variation, residue mobility, and thermodynamic stability) indicates that this missense variant is not expected to disrupt TNNI3K protein function with a negative predictive value of 80%. In summary, the available evidence is currently insufficient to determine the role of this variant in disease. Therefore, it has been classified as a Variant of Uncertain Significance.